The following is an entry in ClinVar:

NM_198428.3(BBS9):c.929A>T (p.Asn310Ile)

Gene: BBS9 (Bardet-Biedl syndrome 9; plus strand). Cytogenetic location: 7p14.3.
Variant type: single nucleotide variant.
Coding change: c.929A>T on transcript NM_198428.3 (MANE Select); coding-DNA position 929, A replaced by T.
Protein change: p.Asn310Ile; replaces asparagine 310 with isoleucine.
Molecular consequence: missense variant. On other transcripts: non-coding transcript variant (3).
Genome position (GRCh38, 1-based): chr7:33,273,869, A>T. VCF-style: chr7-33273869-A-T. GRCh37 (hg19) VCF-style: chr7-33313481-A-T.
Other names: c.929A>T, p.Asn310Ile (NM_001033604.2, NM_001033605.2, NM_001348036.1 and 5 more transcripts); c.563A>T, p.Asn188Ile (NM_001348037.3, NM_001348044.3, NM_001348045.3 and 1 more transcripts); c.656A>T, p.Asn219Ile (NM_001348038.3, NM_001348039.3); c.794A>T, p.Asn265Ile (NM_001348042.3); short protein forms N310I, N188I, N265I, N219I.
Identifiers: ClinVar variation 1415038 (VCV001415038.9), dbSNP rs1341125124, ClinGen allele CA367254936.

ClinVar aggregate classification (germline): Uncertain significance. Review status: criteria provided, multiple submitters, no conflicts (2 of 4 stars). 2 submissions from 2 submitters: Uncertain significance (2). Last evaluated 2024-12-02.

Conditions:
Bardet-Biedl syndrome (BBS). Identifiers: Orphanet 110, MedGen C0752166, MONDO:0015229.
Bardet-Biedl syndrome 9 (BBS9). Identifiers: Orphanet 110, MedGen C1859567, MONDO:0014437, OMIM 615986.

Allele frequency attached by ClinVar (database versions not stated): gnomAD 0.00001; TOPMed 0.00001.
gnomAD v4.1: 1 of 1,610,126 alleles (0.000062%); highest among the groups gnomAD compares: Non-Finnish European, 0.000085%; no homozygotes.

Submissions (2):

Labcorp Genetics (formerly Invitae), Labcorp
Classification: Uncertain significance for Bardet-Biedl syndrome. Last evaluated: 2024-12-02. Review status: criteria provided, single submitter. Criteria: Invitae Variant Classification Sherloc (09022015). Collection method: clinical testing. Allele origin: germline.
Comment: This sequence change replaces asparagine, which is neutral and polar, with isoleucine, which is neutral and non-polar, at codon 310 of the BBS9 protein (p.Asn310Ile). This variant is not present in population databases (gnomAD no frequency). This variant has not been reported in the literature in individuals affected with BBS9-related conditions. ClinVar contains an entry for this variant (Variation ID: 1415038). Invitae Evidence Modeling of protein sequence and biophysical properties (such as structural, functional, and spatial information, amino acid conservation, physicochemical variation, residue mobility, and thermodynamic stability) indicates that this missense variant is expected to disrupt BBS9 protein function with a positive predictive value of 80%. In summary, the available evidence is currently insufficient to determine the role of this variant in disease. Therefore, it has been classified as a Variant of Uncertain Significance.

Fulgent Genetics
Classification: Uncertain significance for Bardet-Biedl syndrome 9. Last evaluated: 2024-01-08. Review status: criteria provided, single submitter. Criteria: ACMG Guidelines, 2015. Collection method: clinical testing. Allele origin: germline.